The following is an entry in ClinVar:

NM_022124.6(CDH23):c.2240G>A (p.Arg747His)

Gene: CDH23 (cadherin related 23; plus strand). Cytogenetic location: 10q22.1.
Variant type: single nucleotide variant.
Coding change: c.2240G>A on transcript NM_022124.6 (MANE Select); coding-DNA position 2240, G replaced by A.
Protein change: p.Arg747His; replaces arginine 747 with histidine.
Molecular consequence: missense variant.
Genome position (GRCh38, 1-based): chr10:71,694,210, G>A. VCF-style: chr10-71694210-G-A. GRCh37 (hg19) VCF-style: chr10-73453967-G-A.
Other names: c.2240G>A, p.Arg747His (NM_001171930.2, NM_001171931.2); short protein forms R747H.
Identifiers: ClinVar variation 3710947 (VCV003710947.2).
Genomic context (GRCh38, chr10:71,694,210, plus strand): 5'-AAATCACCACCACGTCTCTGCTTGACCGAGAGACCAAGTCTGAATACATCCTCATCGTTC[G>A]CGCAGTGGACGGGGGTGTGGGCCACAACCAGAAAACTGGCATCGCCACCGTGAGTGCGCT-3'
Protein context (NP_071407.4, residues 737-757): ETKSEYILIV[Arg747His]AVDGGVGHNQ

ClinVar aggregate classification (germline): Uncertain significance (1 of 4 stars; one submission).

gnomAD v4.1: 13 of 1,613,678 alleles (0.00081%); highest among the groups gnomAD compares: Non-Finnish European, 0.0011%; no homozygotes.

Submission:

Labcorp Genetics (formerly Invitae), Labcorp
Classification: Uncertain significance. Last evaluated: 2024-05-07. Review status: criteria provided, single submitter. Criteria: Invitae Variant Classification Sherloc (09022015). Collection method: clinical testing. Allele origin: germline.
Comment: This sequence change replaces arginine, which is basic and polar, with histidine, which is basic and polar, at codon 747 of the CDH23 protein (p.Arg747His). This variant is present in population databases (rs763352314, gnomAD 0.002%). This variant has not been reported in the literature in individuals affected with CDH23-related conditions. Advanced modeling of protein sequence and biophysical properties (such as structural, functional, and spatial information, amino acid conservation, physicochemical variation, residue mobility, and thermodynamic stability) performed at Invitae indicates that this missense variant is not expected to disrupt CDH23 protein function with a negative predictive value of 95%. In summary, the available evidence is currently insufficient to determine the role of this variant in disease. Therefore, it has been classified as a Variant of Uncertain Significance.